The following is an entry in ClinVar:

NM_017820.5(EXD3):c.669G>A (p.Glu223=)

Gene: EXD3 (exonuclease 3'-5' domain containing 3; minus strand). Cytogenetic location: 9q34.3.
Variant type: single nucleotide variant.
Coding change: c.669G>A on transcript NM_017820.5 (MANE Select); coding-DNA position 669, G replaced by A.
Protein change: p.Glu223=; no amino-acid change (glutamic acid 223 retained).
Molecular consequence: synonymous variant.
Genome position (GRCh38, 1-based): chr9:137,356,356, C>T on the plus strand (G>A on the coding strand, the complement: EXD3 is on the minus strand). VCF-style: chr9-137356356-C-T. GRCh37 (hg19) VCF-style: chr9-140250808-C-T.
Identifiers: ClinVar variation 2659821 (VCV002659821.24), dbSNP rs76472430, ClinGen allele CA5368381.
Genomic context (GRCh38, chr9:137,356,356, plus strand): 5'-ACGCAAGACCTGCCTGCTCAGCGCCTTCGGACTCAGCTTCTCCAGGCTCAAGGAGGTCAC[C>T]TCAGGGTACCGTCTGTGGGGAGAGAGAGGCACAGCCTCTGTTGCTGTTTTAAGTTAATAC-3'
Protein context (NP_060290.3, residues 213-233): DIKDVARRYP[Glu223=]VTSLSLEKLS

ClinVar aggregate classification (germline): Likely benign (1 of 4 stars; one submission).

Allele frequency attached by ClinVar (database versions not stated): 1000 Genomes Project 30x 0.00250; 1000 Genomes Project 0.00260; TOPMed 0.00360; gnomAD 0.00443; ESP Exome Variant Server 0.00478; gnomAD exomes 0.00633; ExAC 0.00716.
gnomAD v4.1: 9,728 of 1,599,836 alleles (0.61%); highest among the groups gnomAD compares: Non-Finnish European, 0.71%; 46 homozygotes.

Submission:

CeGaT Center for Human Genetics Tuebingen
Classification: Likely benign. Last evaluated: 2023-04-01. Review status: criteria provided, single submitter. Criteria: CeGaT Center For Human Genetics Tuebingen Variant Classification Criteria Version 2. Collection method: clinical testing. Allele origin: germline. Affected: yes. Observed: 1 variant allele.
Comment: EXD3: BP4, BP7, BS2